The following is an entry in ClinVar:

ClinVar aggregate classification (germline): Benign. Review status: criteria provided, single submitter (1 of 4 stars). 2 submissions from 2 submitters: Benign (1). 1 of the submissions does not count toward it. Last evaluated 2026-02-01.

Conditions:
DHX37-related disorder. Also called: DHX37-related condition; DHX37-Related Disorders.

Allele frequency attached by ClinVar (database versions not stated): 1000 Genomes Project 0.01018; 1000 Genomes Project 30x 0.01093; ExAC 0.01851; gnomAD 0.01950; TOPMed 0.01991; ESP Exome Variant Server 0.02399; gnomAD exomes 0.03050.
gnomAD v4.1: 47,445 of 1,614,080 alleles (2.9%); highest among the groups gnomAD compares: Non-Finnish European, 3.6%; 917 homozygotes.

Submissions (2):

Labcorp Genetics (formerly Invitae), Labcorp
Classification: Benign. Last evaluated: 2026-02-01. Review status: criteria provided, single submitter. Criteria: Invitae Variant Classification Sherloc (09022015). Collection method: clinical testing. Allele origin: germline.

PreventionGenetics, part of Exact Sciences
Classification: Benign for DHX37-related condition. Last evaluated: 2019-11-01. Review status: no assertion criteria provided. Collection method: clinical testing. Allele origin: germline. Not counted in ClinVar's aggregate classification.
Comment: This variant is classified as benign based on ACMG/AMP sequence variant interpretation guidelines (Richards et al. 2015 PMID: 25741868, with internal and published modifications).

NM_032656.4(DHX37):c.1269C>T (p.Phe423=)

Gene: DHX37 (DEAH-box helicase 37; minus strand). Cytogenetic location: 12q24.31.
Variant type: single nucleotide variant.
Coding change: c.1269C>T on transcript NM_032656.4 (MANE Select); coding-DNA position 1269, C replaced by T.
Protein change: p.Phe423=; no amino-acid change (phenylalanine 423 retained).
Molecular consequence: synonymous variant.
Genome position (GRCh38, 1-based): chr12:124,968,891, G>A on the plus strand (C>T on the coding strand, the complement: DHX37 is on the minus strand). VCF-style: chr12-124968891-G-A. GRCh37 (hg19) VCF-style: chr12-125453437-G-A.
Other names: c.1269C>T (NM_032656.3).
Identifiers: ClinVar variation 2038421 (VCV002038421.6), dbSNP rs112583947, ClinGen allele CA6872129.